The following is an entry in ClinVar:

ClinVar aggregate classification (germline): Uncertain significance (1 of 4 stars; one submission).

Allele frequency attached by ClinVar (database versions not stated): gnomAD exomes below 0.00001.

Submission:

Labcorp Genetics (formerly Invitae), Labcorp
Classification: Uncertain significance. Last evaluated: 2023-08-14. Review status: criteria provided, single submitter. Criteria: Invitae Variant Classification Sherloc (09022015). Collection method: clinical testing. Allele origin: germline.
Comment: In summary, the available evidence is currently insufficient to determine the role of this variant in disease. Therefore, it has been classified as a Variant of Uncertain Significance. Advanced modeling of protein sequence and biophysical properties (such as structural, functional, and spatial information, amino acid conservation, physicochemical variation, residue mobility, and thermodynamic stability) performed at Invitae indicates that this missense variant is not expected to disrupt COL4A1 protein function. This variant has not been reported in the literature in individuals affected with COL4A1-related conditions. This variant is present in population databases (no rsID available, gnomAD 0.003%). This sequence change replaces proline, which is neutral and non-polar, with serine, which is neutral and polar, at codon 280 of the COL4A1 protein (p.Pro280Ser).

NM_001845.6(COL4A1):c.838C>T (p.Pro280Ser)

Gene: COL4A1 (collagen type IV alpha 1 chain; minus strand). Cytogenetic location: 13q34.
Variant type: single nucleotide variant.
Coding change: c.838C>T on transcript NM_001845.6 (MANE Select); coding-DNA position 838, C replaced by T.
Protein change: p.Pro280Ser; replaces proline 280 with serine.
Molecular consequence: missense variant.
Genome position (GRCh38, 1-based): chr13:110,206,685, G>A on the plus strand (C>T on the coding strand, the complement: COL4A1 is on the minus strand). VCF-style: chr13-110206685-G-A. GRCh37 (hg19) VCF-style: chr13-110859032-G-A.
Other names: c.838C>T, p.Pro280Ser (NM_001303110.2); short protein forms P280S.
Identifiers: ClinVar variation 2908669 (VCV002908669.3), dbSNP rs1157290864, ClinGen allele CA388724874.
Genomic context (GRCh38, chr13:110,206,685, plus strand): 5'-AGAATTGTTTTATGATAAAAGGACTTTGGAAAGCACTTACTCTGGGTCCTGGTTTTCCGG[G>A]TTCACCTTTCTCTCCGACCCCTGGCATCCCCTTAAAGGAATAAAAAGACAAAGAGATTTA-3'
Protein context (NP_001836.3, residues 270-290): GMPGVGEKGE[Pro280Ser]GKPGPRGKPG